The following is an entry in ClinVar:

NM_017777.4(MKS1):c.1588+3A>G

Gene: MKS1 (MKS transition zone complex subunit 1; minus strand). Cytogenetic location: 17q22.
Variant type: single nucleotide variant.
Coding change: c.1588+3A>G on transcript NM_017777.4 (MANE Select); 3 bases into the intron after coding-DNA position 1588, A replaced by G.
Molecular consequence: intron variant.
Genome position (GRCh38, 1-based): chr17:58,206,280, T>C on the plus strand (A>G on the coding strand, the complement: MKS1 is on the minus strand). VCF-style: chr17-58206280-T-C. GRCh37 (hg19) VCF-style: chr17-56283641-T-C.
Other names: c.1588+3A>G (NM_017777.3); c.979+3A>G (NM_001321268.2); c.*1371+3A>G (NM_001330397.2); c.1505+3A>G (NM_001321269.2).
Identifiers: ClinVar variation 2148366 (VCV002148366.6), dbSNP rs540747512, ClinGen allele CA8669085.

ClinVar aggregate classification (germline): Uncertain significance. Review status: criteria provided, single submitter (1 of 4 stars). 2 submissions from 2 submitters: Uncertain significance (1). 1 of the submissions does not count toward it. Last evaluated 2023-12-11.

Conditions:
Meckel-Gruber syndrome. Also called: Dysencephalia splachnocystica; GRUBER SYNDROME; DYSENCEPHALIA SPLANCHNOCYSTICA. Identifiers: Orphanet 564, MedGen C0265215, MONDO:0018921.
Joubert syndrome. Also called: Familial aplasia of the vermis; JOUBERT-BOLTSHAUSER SYNDROME. Identifiers: Orphanet 475, MedGen C5979921, MONDO:0018772.
MKS1-related disorder. Also called: MKS1-related condition; MKS1-related disorders. Identifiers: MedGen CN239382.

Allele frequency attached by ClinVar (database versions not stated): TOPMed below 0.00001; gnomAD 0.00001; ExAC 0.00002; gnomAD exomes 0.00002; 1000 Genomes Project 30x 0.00016; 1000 Genomes Project 0.00020.
gnomAD v4.1: 36 of 1,614,022 alleles (0.0022%); highest among the groups gnomAD compares: Non-Finnish European, 0.003%; no homozygotes.

Submissions (2):

Labcorp Genetics (formerly Invitae), Labcorp
Classification: Uncertain significance for Joubert syndrome; Meckel-Gruber syndrome. Last evaluated: 2023-12-11. Review status: criteria provided, single submitter. Criteria: Invitae Variant Classification Sherloc (09022015). Collection method: clinical testing. Allele origin: germline.
Comment: This sequence change falls in intron 17 of the MKS1 gene. It does not directly change the encoded amino acid sequence of the MKS1 protein. It affects a nucleotide within the consensus splice site. This variant is present in population databases (rs540747512, gnomAD 0.003%). This variant has not been reported in the literature in individuals affected with MKS1-related conditions. ClinVar contains an entry for this variant (Variation ID: 2148366). Variants that disrupt the consensus splice site are a relatively common cause of aberrant splicing (PMID: 17576681, 9536098). Algorithms developed to predict the effect of sequence changes on RNA splicing suggest that this variant may disrupt the consensus splice site. In summary, the available evidence is currently insufficient to determine the role of this variant in disease. Therefore, it has been classified as a Variant of Uncertain Significance.

PreventionGenetics, part of Exact Sciences
Classification: Likely benign for MKS1-related condition. Last evaluated: 2024-02-07. Review status: no assertion criteria provided. Collection method: clinical testing. Allele origin: germline. Not counted in ClinVar's aggregate classification.
Comment: This variant is classified as likely benign based on ACMG/AMP sequence variant interpretation guidelines (Richards et al. 2015 PMID: 25741868, with internal and published modifications).

Literature cited by the submitters: PubMed 17576681 (cited by Labcorp Genetics (formerly Invitae), Labcorp); PubMed 9536098 (cited by Labcorp Genetics (formerly Invitae), Labcorp).